The following is an entry in ClinVar:

NM_014444.5(TUBGCP4):c.1255G>A (p.Glu419Lys)

Gene: TUBGCP4 (tubulin gamma complex component 4; plus strand). Cytogenetic location: 15q15.3.
Variant type: single nucleotide variant.
Coding change: c.1255G>A on transcript NM_014444.5 (MANE Select); coding-DNA position 1255, G replaced by A.
Protein change: p.Glu419Lys; replaces glutamic acid 419 with lysine.
Molecular consequence: missense variant.
Genome position (GRCh38, 1-based): chr15:43,397,297, G>A. VCF-style: chr15-43397297-G-A. GRCh37 (hg19) VCF-style: chr15-43689495-G-A.
Other names: c.1255G>A, p.Glu419Lys (NM_001286414.3); short protein forms E419K.
Identifiers: ClinVar variation 1038495 (VCV001038495.8), dbSNP rs368973873, ClinGen allele CA7524034.
Genomic context (GRCh38, chr15:43,397,297, plus strand): 5'-TCAGCACACAAGGTATTGCTAGATGATGACAACCTTCTCCCTCTGTTGCACTTGACAATC[G>A]AGTATCACGGAAAGGAGCACAAAGGTTTGCCATTCCTCCCTGCCACCTTAGAGTTCCTGC-3'
Protein context (NP_055259.2, residues 409-429): NLLPLLHLTI[Glu419Lys]YHGKEHKDAT

ClinVar aggregate classification (germline): Uncertain significance (1 of 4 stars; one submission).

Allele frequency attached by ClinVar (database versions not stated): gnomAD exomes below 0.00001; ExAC 0.00001; ESP Exome Variant Server 0.00008.
gnomAD v4.1: 3 of 1,614,030 alleles (0.00019%); highest among the groups gnomAD compares: Non-Finnish European, 0.00025%; no homozygotes.

Submission:

Labcorp Genetics (formerly Invitae), Labcorp
Classification: Uncertain significance. Last evaluated: 2020-10-19. Review status: criteria provided, single submitter. Criteria: Invitae Variant Classification Sherloc (09022015). Collection method: clinical testing. Allele origin: germline.
Comment: Algorithms developed to predict the effect of missense changes on protein structure and function (SIFT, PolyPhen-2, Align-GVGD) all suggest that this variant is likely to be tolerated, but these predictions have not been confirmed by published functional studies and their clinical significance is uncertain. In summary, the available evidence is currently insufficient to determine the role of this variant in disease. Therefore, it has been classified as a Variant of Uncertain Significance. This variant has not been reported in the literature in individuals with TUBGCP4-related conditions. This variant is present in population databases (rs368973873, ExAC 0.001%). This sequence change replaces glutamic acid with lysine at codon 419 of the TUBGCP4 protein (p.Glu419Lys). The glutamic acid residue is weakly conserved and there is a small physicochemical difference between glutamic acid and lysine.